The following is an entry in ClinVar:

ClinVar aggregate classification (germline): Uncertain significance (1 of 4 stars; one submission).

Allele frequency attached by ClinVar (database versions not stated): gnomAD 0.00001.
gnomAD v4.1: 4 of 1,602,284 alleles (0.00025%); highest among the groups gnomAD compares: Non-Finnish European, 0.00034%; no homozygotes.

Submission:

Ambry Genetics
Classification: Uncertain significance. Last evaluated: 2025-08-20. Review status: criteria provided, single submitter. Criteria: Ambry Variant Classification Scheme 2023. Collection method: clinical testing. Allele origin: germline.
Comment: The p.L77I variant (also known as c.229C>A), located in coding exon 3 of the STAP1 gene, results from a C to A substitution at nucleotide position 229. The leucine at codon 77 is replaced by isoleucine, an amino acid with highly similar properties. This amino acid position is conserved. In addition, this alteration is predicted to be tolerated by in silico analysis. Since supporting evidence is limited at this time, the clinical significance of this alteration remains unclear.

NM_012108.4(STAP1):c.229C>A (p.Leu77Ile)

Genes: STAP1 (signal transducing adaptor family member 1; plus strand), LOC123477751 (Sharpr-MPRA regulatory region 12077; plus strand). Cytogenetic location: 4q13.2.
Variant type: single nucleotide variant.
Coding change: c.229C>A on transcript NM_012108.4 (MANE Select); coding-DNA position 229, C replaced by A.
Protein change: p.Leu77Ile; replaces leucine 77 with isoleucine.
Molecular consequence: missense variant.
Genome position (GRCh38, 1-based): chr4:67,575,421, C>A. VCF-style: chr4-67575421-C-A. GRCh37 (hg19) VCF-style: chr4-68441139-C-A.
Other names: c.229C>A, p.Leu77Ile (NM_001317769.2); short protein forms L77I.
Identifiers: ClinVar variation 1789220 (VCV001789220.3), dbSNP rs1428189634, ClinGen allele CA357047884.